The following is an entry in ClinVar:

NM_003060.4(SLC22A5):c.1400C>T (p.Ser467Phe)

Gene: SLC22A5 (solute carrier family 22 member 5; plus strand). Cytogenetic location: 5q31.1.
Variant type: single nucleotide variant.
Coding change: c.1400C>T on transcript NM_003060.4 (MANE Select); coding-DNA position 1400, C replaced by T.
Protein change: p.Ser467Phe; replaces serine 467 with phenylalanine.
Molecular consequence: missense variant.
Genome position (GRCh38, 1-based): chr5:132,392,565, C>T. VCF-style: chr5-132392565-C-T. GRCh37 (hg19) VCF-style: chr5-131728257-C-T.
Other names: c.1472C>T, p.Ser491Phe (NM_001308122.2); short protein forms S467F, S491F.
Identifiers: ClinVar variation 3339924 (VCV003339924.1).

ClinVar aggregate classification (germline): Uncertain significance (1 of 4 stars; one submission).

Submission:

Women's Health and Genetics/Laboratory Corporation of America, LabCorp
Classification: Uncertain significance. Last evaluated: 2024-06-20. Review status: criteria provided, single submitter. Criteria: LabCorp Variant Classification Summary - May 2015. Collection method: clinical testing. Allele origin: germline.
Comment: Variant summary: SLC22A5 c.1400C>T (p.Ser467Phe) results in a non-conservative amino acid change located in the Major facilitator superfamily domain (IPR020846) of the encoded protein sequence. Five of five in-silico tools predict a damaging effect of the variant on protein function. The variant was absent in 251468 control chromosomes. The available data on variant occurrences in the general population are insufficient to allow any conclusion about variant significance. To our knowledge, no occurrence of c.1400C>T in individuals affected with Systemic Primary Carnitine Deficiency and no experimental evidence demonstrating its impact on protein function have been reported. A different variant affecting the same codon has been classified as pathogenic by our lab (c.1400C>G, &same_codon_pdot&), supporting the critical relevance of codon 467 to SLC22A5 protein function. No submitters have cited clinical-significance assessments for this variant to ClinVar. Based on the evidence outlined above, the variant was classified as uncertain significance.